The following is an entry in ClinVar:

ClinVar aggregate classification (germline): Uncertain significance (1 of 4 stars; one submission).

Submission:

Labcorp Genetics (formerly Invitae), Labcorp
Classification: Uncertain significance. Last evaluated: 2023-11-27. Review status: criteria provided, single submitter. Criteria: Invitae Variant Classification Sherloc (09022015). Collection method: clinical testing. Allele origin: germline.
Comment: This sequence change replaces methionine, which is neutral and non-polar, with isoleucine, which is neutral and non-polar, at codon 104 of the CTNNA1 protein (p.Met104Ile). This variant is not present in population databases (gnomAD no frequency). This variant has not been reported in the literature in individuals affected with CTNNA1-related conditions. ClinVar contains an entry for this variant (Variation ID: 1506139). Advanced modeling of protein sequence and biophysical properties (such as structural, functional, and spatial information, amino acid conservation, physicochemical variation, residue mobility, and thermodynamic stability) performed at Invitae indicates that this missense variant is not expected to disrupt CTNNA1 protein function with a negative predictive value of 80%. In summary, the available evidence is currently insufficient to determine the role of this variant in disease. Therefore, it has been classified as a Variant of Uncertain Significance.

NM_001903.5(CTNNA1):c.312G>T (p.Met104Ile)

Gene: CTNNA1 (catenin alpha 1; plus strand). Cytogenetic location: 5q31.2.
Variant type: single nucleotide variant.
Coding change: c.312G>T on transcript NM_001903.5 (MANE Select); coding-DNA position 312, G replaced by T.
Protein change: p.Met104Ile; replaces methionine 104 with isoleucine.
Molecular consequence: missense variant. On other transcripts: initiator codon variant (1), intron variant (1).
Genome position (GRCh38, 1-based): chr5:138,810,048, G>T. VCF-style: chr5-138810048-G-T. GRCh37 (hg19) VCF-style: chr5-138145737-G-T.
Other names: c.312G>T, p.Met104Ile (NM_001290307.3, NM_001323982.2, NM_001323983.1 and 3 more transcripts); c.3G>T, p.Met1Ile (NM_001290309.3); c.-5-53G>T (NM_001290310.3); short protein forms M1I, M104I.
Identifiers: ClinVar variation 1506139 (VCV001506139.8), dbSNP rs2149726943, ClinGen allele CA361122800.